The following is an entry in ClinVar:

NM_001042492.3(NF1):c.5812+4dup

Gene: NF1 (neurofibromin 1; plus strand). Cytogenetic location: 17q11.2.
Variant type: Duplication.
Coding change: c.5812+4dup on transcript NM_001042492.3 (MANE Select); 4 bases into the intron after coding-DNA position 5812, one base duplicated (A; older notation c.5812+4dupA).
Molecular consequence: intron variant.
Genome position (GRCh38, 1-based): chr17:31,330,502, A duplicated; the last of 2 consecutive A bases (chr17:31,330,501-31,330,502); duplicating either gives the same sequence. VCF-style (leftmost placement, unchanged base first): chr17-31330500-T-TA. GRCh37 (hg19) VCF-style: chr17-29657518-T-TA.
Other names: c.5749+4dup (NM_000267.4).
Identifiers: ClinVar variation 1510604 (VCV001510604.6), dbSNP rs2151545035, ClinGen allele CA2573153427.
Genomic context (GRCh38, chr17:31,330,500, plus strand): 5'-TGAGCCACACCTCACGTTAGAATTTTTGGAAGAGTGTATTTCTGGATTTAGCAAATCTAG[T>TA]AAGTAATGATAATTTTCTTTAATACTAACAATTATTCTAAGAGAATTCAAAGAAAACCCT-3'

ClinVar aggregate classification (germline): Pathogenic (1 of 4 stars; one submission).

Conditions:
Neurofibromatosis, type 1 (NF1). Also called: Neurofibromatosis, type I; Peripheral type neurofibromatosis; VON RECKLINGHAUSEN DISEASE; NEUROFIBROMATOSIS, TYPE I, SOMATIC. Identifiers: Orphanet 636, MedGen C0027831, MONDO:0018975, OMIM 162200. Disease mechanism: loss of function.

Submission:

Labcorp Genetics (formerly Invitae), Labcorp
Classification: Pathogenic for Neurofibromatosis, type 1. Last evaluated: 2023-10-22. Review status: criteria provided, single submitter. Criteria: Invitae Variant Classification Sherloc (09022015). Collection method: clinical testing. Allele origin: germline.
Comment: This sequence change falls in intron 38 of the NF1 gene. It does not directly change the encoded amino acid sequence of the NF1 protein. It affects a nucleotide within the consensus splice site. This variant is not present in population databases (gnomAD no frequency). This variant has been observed in individual(s) with clinical features of neurofibromatosis type 1 (Invitae). In at least one individual the variant was observed to be de novo. ClinVar contains an entry for this variant (Variation ID: 1510604). Variants that disrupt the consensus splice site are a relatively common cause of aberrant splicing (PMID: 17576681, 9536098). Algorithms developed to predict the effect of sequence changes on RNA splicing suggest that this variant may disrupt the consensus splice site. This variant disrupts the c.5749+5G nucleotide in the NF1 gene. Other variant(s) that disrupt this nucleotide have been determined to be pathogenic (PMID: 17311297, 18546366; Invitae). This suggests that this nucleotide is clinically significant, and that variants that disrupt this position are likely to be disease-causing. For these reasons, this variant has been classified as Pathogenic.

Literature cited by the submitters: PubMed 17576681; PubMed 9536098; PubMed 17311297; PubMed 18546366.